The following is an entry in ClinVar:

NM_004409.5(DMPK):c.*224CTG[462]

Genes: DM1-AS (DM1 locus antisense RNA; plus strand), DMPK (DM1 protein kinase; minus strand), LOC107075317 (origin of replication in DMPK trinucleotide repeat region; plus strand), LOC109461477 (dystrophia myotonica protein kinase repeat instability region; plus strand). Cytogenetic location: 19q13.32.
Variant type: Microsatellite.
Coding change: c.*224CTG[462] on transcript NM_004409.5 (MANE Select); 462 copies in a row of the 3-base unit CTG starting at c.*224.
Molecular consequence: 3 prime UTR variant.
Genome position: GRCh38, VCF-style position (the base before the change): chr19:45,770,204. GRCh37 (hg19), VCF-style position (the base before the change): chr19:46,273,462.
Other names: DM1 CTG repeat expansion; c.*224CTG[462] (NM_001081560.3, NM_001288764.2, NM_001424165.1 and 1 more transcripts); c.*217CTG[462] (NM_001081562.3, NM_001288765.2, NM_001424162.1 and 2 more transcripts); c.*222_*224TGC[462] (NM_001081563.3); c.*369CTG[462] (NM_001288766.2, NM_001424164.1, NM_001424168.1).
Identifiers: ClinVar variation 187989 (VCV000187989.1), ClinGen allele CA915951808.

ClinVar aggregate classification (germline): Pathogenic (0 of 4 stars; one submission).

Conditions:
Steinert myotonic dystrophy syndrome (DM1). Also called: STEINERT DISEASE; Myotonic dystrophy type 1; Dystrophia myotonica type 1; Steinert myotonic dystrophy; Steinert's disease. Identifiers: Orphanet 273, MedGen C3250443, MONDO:0008056, OMIM 160900.

Submission:

Institute of Molecular, Cell and Systems Biology, University of Glasgow
Classification: Pathogenic for Steinert myotonic dystrophy syndrome. Review status: no assertion criteria provided. Criteria: research. Collection method: research. Allele origin: germline. Inheritance: Autosomal dominant inheritance. Affected: yes. Observed: 1 heterozygote.
Comment: DMPK CTG repeat expansions greater than approximately 45-50 repeats are assumed to be pathogenic

This record is based on data published in PubMed 25052313, which reports only ClinVar accessions SCV000120188 and SCV000120189. The complete data set includes SCV000207445 - SCV000207579.

Literature cited by the submitters: PubMed 1346923; PubMed 1546326; PubMed 25052313.